The following is an entry in ClinVar:

ClinVar aggregate classification (germline): Likely benign (1 of 4 stars; one submission).

Allele frequency attached by ClinVar (database versions not stated): ExAC 0.00024; ESP Exome Variant Server 0.00025; TOPMed 0.00033.
gnomAD v4.1: 115 of 1,517,056 alleles (0.0076%); highest among the groups gnomAD compares: African/African-American, 0.14%; 1 homozygote.

Submission:

GeneDx
Classification: Likely benign. Last evaluated: 2017-12-29. Review status: criteria provided, single submitter. Criteria: GeneDx Variant Classification (06012015). Collection method: clinical testing. Allele origin: germline. Affected: yes.
Comment: This variant is considered likely benign or benign based on one or more of the following criteria: it is a conservative change, it occurs at a poorly conserved position in the protein, it is predicted to be benign by multiple in silico algorithms, and/or has population frequency not consistent with disease.

NM_016373.4(WWOX):c.-39A>T

Gene: WWOX (WW domain containing oxidoreductase; plus strand). Cytogenetic location: 16q23.1.
Variant type: single nucleotide variant.
Coding change: c.-39A>T on transcript NM_016373.4 (MANE Select); 39 bases upstream of the start codon, A replaced by T.
Molecular consequence: 5 prime UTR variant. On other transcripts: non-coding transcript variant (2).
Genome position (GRCh38, 1-based): chr16:78,099,740, A>T. VCF-style: chr16-78099740-A-T. GRCh37 (hg19) VCF-style: chr16-78133637-A-T.
Other names: c.-313A>T (NM_001291997.2); c.-39A>T (NM_130791.5).
Identifiers: ClinVar variation 514318 (VCV000514318.1), dbSNP rs377066400, ClinGen allele CA8182958.